The following is an entry in ClinVar:

NM_025179.4(PLXNA2):c.1597C>A (p.Leu533Met)

Gene: PLXNA2 (plexin A2; minus strand). Cytogenetic location: 1q32.2.
Variant type: single nucleotide variant.
Coding change: c.1597C>A on transcript NM_025179.4 (MANE Select); coding-DNA position 1597, C replaced by A.
Protein change: p.Leu533Met; replaces leucine 533 with methionine.
Molecular consequence: missense variant.
Genome position (GRCh38, 1-based): chr1:208,103,157, G>T on the plus strand (C>A on the coding strand, the complement: PLXNA2 is on the minus strand). VCF-style: chr1-208103157-G-T. GRCh37 (hg19) VCF-style: chr1-208276502-G-T.
Other names: short protein forms L533M.
Identifiers: ClinVar variation 3347829 (VCV003347829.2).

ClinVar aggregate classification (germline): Uncertain significance. Review status: criteria provided, single submitter (1 of 4 stars). 2 submissions from 2 submitters: Uncertain significance (1). 1 of the submissions does not count toward it. Last evaluated 2025-06-12.

Conditions:
PLXNA2-related disorder. Also called: PLXNA2-related condition.

gnomAD v4.1: 21 of 1,613,098 alleles (0.0013%); highest among the groups gnomAD compares: Non-Finnish European, 0.0018%; no homozygotes.

Submissions (2):

Ambry Genetics
Classification: Uncertain significance. Last evaluated: 2025-06-12. Review status: criteria provided, single submitter. Criteria: Ambry Variant Classification Scheme 2023. Collection method: clinical testing. Allele origin: germline.

PreventionGenetics, part of Exact Sciences
Classification: Uncertain significance for PLXNA2-related condition. Last evaluated: 2024-05-31. Review status: no assertion criteria provided. Collection method: clinical testing. Allele origin: germline. Not counted in ClinVar's aggregate classification.
Comment: The PLXNA2 c.1597C>A variant is predicted to result in the amino acid substitution p.Leu533Met. To our knowledge, this variant has not been reported in the literature. This variant is reported in 0.00088% of alleles in individuals of European (Non-Finnish) descent in gnomAD. At this time, the clinical significance of this variant is uncertain due to the absence of conclusive functional and genetic evidence.